The following is an entry in ClinVar:

ClinVar aggregate classification (germline): Uncertain significance (1 of 4 stars; one submission).

Conditions:
Pontocerebellar hypoplasia, type 14. Identifiers: Orphanet 613274, MedGen C5543322, MONDO:0030258, OMIM 619301.

gnomAD v4.1: 2 of 1,614,216 alleles (0.00012%); no homozygotes.

Submission:

Neuberg Centre For Genomic Medicine, NCGM
Classification: Uncertain significance for Pontocerebellar hypoplasia, type 14. Review status: criteria provided, single submitter. Criteria: ACMG Guidelines, 2015. Collection method: clinical testing. Allele origin: germline. Inheritance: Autosomal recessive inheritance. Affected: yes.
Comment: The observed missense c.344C>A (p.Thr115Asn) variant in PPIL1 gene has not been reported previously as a pathogenic variant nor as a benign variant, to our knowledge. The p.Thr115Asn variant is absent in gnomAD Exomes. This variant has not been submitted to the ClinVar database. Multiple lines of computational evidence (Polyphen - Probably damaging, SIFT – Damaging and Mutation Taster - Disease causing) predict a damaging effect on protein structure and function for this variant. The reference amino acid at this position on PPIL1 gene is predicted as conserved by GERP++ and PhyloP across 100 vertebrates. The amino acid Thr at position 115 is changed to a Asn changing protein sequence and it might alter its composition and physico-chemical properties. For these reasons, this variant has been classified as Variant of Uncertain Significance (VUS).

NM_016059.5(PPIL1):c.344C>A (p.Thr115Asn)

Gene: PPIL1 (peptidylprolyl isomerase like 1; minus strand). Cytogenetic location: 6p21.2.
Variant type: single nucleotide variant.
Coding change: c.344C>A on transcript NM_016059.5 (MANE Select); coding-DNA position 344, C replaced by A.
Protein change: p.Thr115Asn; replaces threonine 115 with asparagine.
Molecular consequence: missense variant.
Genome position (GRCh38, 1-based): chr6:36,855,970, G>T on the plus strand (C>A on the coding strand, the complement: PPIL1 is on the minus strand). VCF-style: chr6-36855970-G-T. GRCh37 (hg19) VCF-style: chr6-36823746-G-T.
Other names: short protein forms T115N.
Identifiers: ClinVar variation 3377735 (VCV003377735.1).
Genomic context (GRCh38, chr6:36,855,970, plus strand): 5'-CCCTGACACACTCGGCCAAAAATGGTGTGTTTGCCGTCAAGCCACTGGGTGGGGGCGAGG[G>T]TCACAAAGAACTGGCTGCCATTGGTATCTGGCCCCGCATTGGCCATTGCGAGAATTCCAG-3'
Protein context (NP_057143.1, residues 105-125): PDTNGSQFFV[Thr115Asn]LAPTQWLDGK